The following is an entry in ClinVar:

NM_017950.4(CCDC40):c.1481G>A (p.Arg494His)

Gene: CCDC40 (coiled-coil domain 40 molecular ruler complex subunit; plus strand). Cytogenetic location: 17q25.3.
Variant type: single nucleotide variant.
Coding change: c.1481G>A on transcript NM_017950.4 (MANE Select); coding-DNA position 1481, G replaced by A.
Protein change: p.Arg494His; replaces arginine 494 with histidine.
Molecular consequence: missense variant.
Genome position (GRCh38, 1-based): chr17:80,065,525, G>A. VCF-style: chr17-80065525-G-A. GRCh37 (hg19) VCF-style: chr17-78039324-G-A.
Other names: c.1481G>A, p.Arg494His (NM_001243342.2, NM_001330508.2); short protein forms R494H.
Identifiers: ClinVar variation 1804213 (VCV001804213.5), dbSNP rs200084360, ClinGen allele CA8813861.

ClinVar aggregate classification (germline): Conflicting classifications of pathogenicity. Review status: criteria provided, conflicting classifications (1 of 4 stars). 4 submissions from 4 submitters: Uncertain significance (3); Likely benign (1). Last evaluated 2025-03-22.

Conditions:
Primary ciliary dyskinesia. Also called: Ciliary dyskinesia. Identifiers: Orphanet 244, MedGen C0008780, MONDO:0016575, HP:0012265.
Primary ciliary dyskinesia 15. Also called: CILIARY DYSKINESIA, PRIMARY, 15, WITH OR WITHOUT SITUS INVERSUS. Identifiers: Orphanet 244, MedGen C3151137, MONDO:0013435, OMIM 613808.

Allele frequency attached by ClinVar (database versions not stated): gnomAD 0.00001; TOPMed 0.00002; ExAC 0.00005; ESP Exome Variant Server 0.00024.
gnomAD v4.1: 48 of 1,612,980 alleles (0.003%); highest among the groups gnomAD compares: South Asian, 0.018%; no homozygotes.

Submissions (4):

Labcorp Genetics (formerly Invitae), Labcorp
Classification: Uncertain significance for Primary ciliary dyskinesia. Last evaluated: 2025-03-22. Review status: criteria provided, single submitter. Criteria: Invitae Variant Classification Sherloc (09022015). Collection method: clinical testing. Allele origin: germline.
Comment: This sequence change replaces arginine, which is basic and polar, with histidine, which is basic and polar, at codon 494 of the CCDC40 protein (p.Arg494His). This variant is present in population databases (rs200084360, gnomAD 0.02%). This variant has not been reported in the literature in individuals affected with CCDC40-related conditions. ClinVar contains an entry for this variant (Variation ID: 1804213). Invitae Evidence Modeling of protein sequence and biophysical properties (such as structural, functional, and spatial information, amino acid conservation, physicochemical variation, residue mobility, and thermodynamic stability) indicates that this missense variant is not expected to disrupt CCDC40 protein function with a negative predictive value of 80%. In summary, the available evidence is currently insufficient to determine the role of this variant in disease. Therefore, it has been classified as a Variant of Uncertain Significance.

Ambry Genetics
Classification: Likely benign for Primary ciliary dyskinesia. Last evaluated: 2024-12-19. Review status: criteria provided, single submitter. Criteria: Ambry Variant Classification Scheme 2023. Collection method: clinical testing. Allele origin: germline.

ARUP Laboratories, Molecular Genetics and Genomics, ARUP Laboratories
Classification: Uncertain significance for Primary ciliary dyskinesia 15. Last evaluated: 2024-04-03. Review status: criteria provided, single submitter. Criteria: ARUP Molecular Germline Variant Investigation Process 2024. Collection method: clinical testing. Allele origin: germline.
Comment: The CCDC40 c.1481G>A; p.Arg494His variant (rs200084360), to our knowledge, is not reported in the medical literature but is reported in ClinVar (Variation ID: 1804213). This variant is observed in the general population with an overall allele frequency of 0.006% (14/248752 alleles) in the Genome Aggregation Database (v2.1.1). Computational analyses predict that this variant is neutral (REVEL: 0.076). Due to limited information, the clinical significance of this variant is uncertain at this time.

GeneDx
Classification: Uncertain significance. Last evaluated: 2023-12-18. Review status: criteria provided, single submitter. Criteria: GeneDx Variant Classification Process June 2021. Collection method: clinical testing. Allele origin: germline.
Comment: In silico analysis supports that this missense variant does not alter protein structure/function; Has not been previously published as pathogenic or benign to our knowledge